The following is an entry in ClinVar:

ClinVar aggregate classification (germline): Uncertain significance. Review status: criteria provided, multiple submitters, no conflicts (2 of 4 stars). 2 submissions from 2 submitters: Uncertain significance (2). Last evaluated 2025-04-11.

Conditions:
Primary dilated cardiomyopathy (DCM). Also called: Dilated Cardiomyopathy. Identifiers: Orphanet 217604, MedGen C0007193, MeSH D002311, MONDO:0005021, HP:0001644. Inheritance: Various modes of inheritance.
Hypertrophic cardiomyopathy. Also called: HYPERTROPHIC MYOCARDIOPATHY. Identifiers: Orphanet 217569, MedGen C0007194, MeSH D002312, MONDO:0005045, HP:0001639.

Allele frequency attached by ClinVar (database versions not stated): gnomAD exomes 0.00001.
gnomAD v4.1: 15 of 1,608,212 alleles (0.00093%); highest among the groups gnomAD compares: Non-Finnish European, 0.0012%; no homozygotes.

Submissions (2):

Ambry Genetics
Classification: Uncertain significance. Last evaluated: 2025-04-11. Review status: criteria provided, single submitter. Criteria: Ambry Variant Classification Scheme 2023. Collection method: clinical testing. Allele origin: germline.

Labcorp Genetics (formerly Invitae), Labcorp
Classification: Uncertain significance for Hypertrophic cardiomyopathy; Primary dilated cardiomyopathy. Last evaluated: 2022-12-04. Review status: criteria provided, single submitter. Criteria: Invitae Variant Classification Sherloc (09022015). Collection method: clinical testing. Allele origin: germline.
Comment: In summary, the available evidence is currently insufficient to determine the role of this variant in disease. Therefore, it has been classified as a Variant of Uncertain Significance. Advanced modeling of protein sequence and biophysical properties (such as structural, functional, and spatial information, amino acid conservation, physicochemical variation, residue mobility, and thermodynamic stability) performed at Invitae indicates that this missense variant is not expected to disrupt PDLIM3 protein function. This variant has not been reported in the literature in individuals affected with PDLIM3-related conditions. This variant is present in population databases (no rsID available, gnomAD 0.002%). This sequence change replaces serine, which is neutral and polar, with proline, which is neutral and non-polar, at codon 107 of the PDLIM3 protein (p.Ser107Pro).

NM_014476.6(PDLIM3):c.319T>C (p.Ser107Pro)

Gene: PDLIM3 (PDZ and LIM domain 3; minus strand). Cytogenetic location: 4q35.1.
Variant type: single nucleotide variant.
Coding change: c.319T>C on transcript NM_014476.6 (MANE Select); coding-DNA position 319, T replaced by C.
Protein change: p.Ser107Pro; replaces serine 107 with proline.
Molecular consequence: missense variant. On other transcripts: non-coding transcript variant (1), intron variant (1).
Genome position (GRCh38, 1-based): chr4:185,523,373, A>G on the plus strand (T>C on the coding strand, the complement: PDLIM3 is on the minus strand). VCF-style: chr4-185523373-A-G. GRCh37 (hg19) VCF-style: chr4-186444527-A-G.
Other names: c.319T>C (NM_014476.4); c.319T>C, p.Ser107Pro (NM_001114107.5, NM_001257962.2); c.94-9036T>C (NM_001257963.2); short protein forms S107P.
Identifiers: ClinVar variation 2926715 (VCV002926715.5), dbSNP rs1448422407, ClinGen allele CA358927199.